The following is an entry in ClinVar:

NM_001135629.3(PPP1R21):c.1820C>T (p.Thr607Ile)

Gene: PPP1R21 (protein phosphatase 1 regulatory subunit 21; plus strand). Cytogenetic location: 2p16.3.
Variant type: single nucleotide variant.
Coding change: c.1820C>T on transcript NM_001135629.3 (MANE Select); coding-DNA position 1820, C replaced by T.
Protein change: p.Thr607Ile; replaces threonine 607 with isoleucine.
Molecular consequence: missense variant. On other transcripts: non-coding transcript variant (1).
Genome position (GRCh38, 1-based): chr2:48,498,620, C>T. VCF-style: chr2-48498620-C-T. GRCh37 (hg19) VCF-style: chr2-48725759-C-T.
Other names: c.1727C>T, p.Thr576Ile (NM_001193475.2); c.1820C>T, p.Thr607Ile (NM_152994.5); short protein forms T576I, T607I.
Identifiers: ClinVar variation 3309404 (VCV003309404.2).
Genomic context (GRCh38, chr2:48,498,620, plus strand): 5'-AATTAGCCAAAATCAAGCTAGAGAAAGAAAACCAGCGAATTGCAGATAAGCTGAAGAATA[C>T]AGGTAGTGCCCAGCTGGTTGGGCTGGCCCAGGAAAATGCTGCTGTGTCAAATACTGCTGG-3'
Protein context (NP_001129101.1, residues 597-617): NQRIADKLKN[Thr607Ile]GSAQLVGLAQ

ClinVar aggregate classification (germline): Uncertain significance. Review status: criteria provided, multiple submitters, no conflicts (2 of 4 stars). 2 submissions from 2 submitters: Uncertain significance (2). Last evaluated 2026-03-12.

Conditions:
Inborn genetic diseases. Identifiers: MedGen C0950123, MeSH D030342.

gnomAD v4.1: 6 of 1,614,236 alleles (0.00037%); highest among the groups gnomAD compares: South Asian, 0.0055%; no homozygotes.

Submissions (2):

GeneDx
Classification: Uncertain significance. Last evaluated: 2026-03-12. Review status: criteria provided, single submitter. Criteria: GeneDx Variant Classification Process June 2021. Collection method: clinical testing. Allele origin: germline.
Comment: In silico analysis suggests that this missense variant does not alter protein structure/function; Has not been previously published as pathogenic or benign to our knowledge

Ambry Genetics
Classification: Uncertain significance for Inborn genetic diseases. Last evaluated: 2024-06-16. Review status: criteria provided, single submitter. Criteria: Ambry Variant Classification Scheme 2023. Collection method: clinical testing. Allele origin: germline.